The following is an entry in ClinVar:

ClinVar aggregate classification (germline): Likely pathogenic (1 of 4 stars; one submission).

Submission:

GeneDx
Classification: Likely pathogenic. Last evaluated: 2024-03-15. Review status: criteria provided, single submitter. Criteria: GeneDx Variant Classification Process June 2021. Collection method: clinical testing. Allele origin: germline. Affected: yes.
Comment: Not observed at significant frequency in large population cohorts (gnomAD); In silico analysis supports that this missense variant has a deleterious effect on protein structure/function; Has not been previously published as pathogenic or benign to our knowledge

NM_003403.5(YY1):c.1148A>G (p.Tyr383Cys)

Gene: YY1 (YY1 transcription factor; plus strand). Cytogenetic location: 14q32.2.
Variant type: single nucleotide variant.
Coding change: c.1148A>G on transcript NM_003403.5 (MANE Select); coding-DNA position 1148, A replaced by G.
Protein change: p.Tyr383Cys; replaces tyrosine 383 with cysteine.
Molecular consequence: missense variant.
Genome position (GRCh38, 1-based): chr14:100,277,503, A>G. VCF-style: chr14-100277503-A-G. GRCh37 (hg19) VCF-style: chr14-100743840-A-G.
Other names: short protein forms Y383C.
Identifiers: ClinVar variation 3342501 (VCV003342501.1).